The following continues an entry in ClinVar:

NM_000059.4(BRCA2):c.5073dup (p.Trp1692fs)

Gene: BRCA2. ClinVar aggregate classification (germline): Pathogenic. Pathogenic (1).

Literature cited by the submitters, continued: PubMed 33758026 (cited by Center for Genomic Medicine, Rigshospitalet, Copenhagen University Hospital); PubMed 26026974 (cited by 6 submitters); PubMed 31948886 (cited by Center for Genomic Medicine, Rigshospitalet, Copenhagen University Hospital); PubMed 39142283 (cited by Variantyx, Inc.); PubMed 20301425 (cited by Variantyx, Inc.); PubMed 26187060 (cited by Variantyx, Inc. and Sema4); PubMed 27443514 (cited by Variantyx, Inc.); PubMed 28176296 (cited by Variantyx, Inc.); PubMed 28486781 (cited by 5 submitters); PubMed 28993434 (cited by Variantyx, Inc.); PubMed 29907814 (cited by 3 submitters); PubMed 39029294 (cited by Variantyx, Inc.); PubMed 29446198 (cited by Dasa and Sema4); PubMed 16199546 (cited by Dasa); PubMed 17063271 (cited by Dasa); PubMed 25632310 (cited by Dasa); PubMed 11938448 (cited by 3 submitters); PubMed 12181777 (cited by 5 submitters); PubMed 14973102 (cited by 5 submitters); PubMed 15131399 (cited by 3 submitters); PubMed 18819001 (cited by 3 submitters); PubMed 19052777 (cited by Color Diagnostics, LLC DBA Color Health and All of Us Research Program, National Institutes of Health); PubMed 19796187 (cited by 6 submitters); PubMed 21324516 (cited by 3 submitters); PubMed 21465317 (cited by 3 submitters); PubMed 23977390 (cited by Color Diagnostics, LLC DBA Color Health and All of Us Research Program, National Institutes of Health); PubMed 24333842 (cited by 3 submitters); PubMed 24728189 (cited by Color Diagnostics, LLC DBA Color Health and All of Us Research Program, National Institutes of Health); PubMed 27741520 (cited by 3 submitters); PubMed 31853058 (cited by Color Diagnostics, LLC DBA Color Health); PubMed 32022259 (cited by Color Diagnostics, LLC DBA Color Health and All of Us Research Program, National Institutes of Health); PubMed 33471991 (cited by 3 submitters); PubMed 26541979 (cited by Ambry Genetics and Institute for Genomic Medicine (IGM) Clinical Laboratory, Nationwide Children's Hospital); PubMed 29339979 (cited by 4 submitters); PubMed 33606809 (cited by 3 submitters); PubMed 32365798 (cited by Mayo Clinic Laboratories, Mayo Clinic and Quest Diagnostics Nichols Institute San Juan Capistrano); PubMed 32438681 (cited by Mayo Clinic Laboratories, Mayo Clinic); PubMed 32872764 (cited by Mayo Clinic Laboratories, Mayo Clinic); PubMed 33008098 (cited by Mayo Clinic Laboratories, Mayo Clinic); PubMed 33403015 (cited by Mayo Clinic Laboratories, Mayo Clinic); PubMed 36980738 (cited by Mayo Clinic Laboratories, Mayo Clinic); PubMed 22866093 (cited by 5 submitters); PubMed 36998040 (cited by Quest Diagnostics Nichols Institute San Juan Capistrano); PubMed 32850417 (cited by Quest Diagnostics Nichols Institute San Juan Capistrano); PubMed 28477318 (cited by Quest Diagnostics Nichols Institute San Juan Capistrano and Molecular Endocrinology Laboratory, Christian Medical College); PubMed 26295337 (cited by Quest Diagnostics Nichols Institute San Juan Capistrano); PubMed 36329109 (cited by Genetics Program, Instituto Nacional de Cancer); PubMed 36988593 (cited by Laboratory for Genotyping Development, RIKEN); PubMed 19912264 (cited by Counsyl); PubMed 21559243 (cited by Counsyl); NCBI Bookshelf NBK1247 (cited by GeneReviews).